The following is an entry in ClinVar:

ClinVar aggregate classification (germline): Conflicting classifications of pathogenicity. Review status: criteria provided, conflicting classifications (1 of 4 stars). 3 submissions from 3 submitters: Uncertain significance (1); Likely benign (1). 1 of the submissions does not count toward it. Last evaluated 2025-11-17.

Conditions:
Hereditary cancer-predisposing syndrome. Also called: Hereditary neoplastic syndrome; Tumor predisposition; Neoplastic Syndromes, Hereditary; Hereditary Cancer Syndrome. Identifiers: Orphanet 140162, MedGen C0027672, MeSH D009386, MONDO:0015356.
POLE-related disorder. Also called: POLE-related condition; POLE-related disorders.

Allele frequency attached by ClinVar (database versions not stated): gnomAD exomes below 0.00001; TOPMed below 0.00001.
gnomAD v4.1: 9 of 1,607,022 alleles (0.00056%); highest among the groups gnomAD compares: East Asian, 0.0022%; no homozygotes.

Submissions (3):

Labcorp Genetics (formerly Invitae), Labcorp
Classification: Uncertain significance. Last evaluated: 2025-11-17. Review status: criteria provided, single submitter. Criteria: Invitae Variant Classification Sherloc (09022015). Collection method: clinical testing. Allele origin: germline.
Comment: This sequence change replaces glycine, which is neutral and non-polar, with serine, which is neutral and polar, at codon 2285 of the POLE protein (p.Gly2285Ser). This variant is present in population databases (no rsID available, gnomAD 0.006%). This variant has not been reported in the literature in individuals affected with POLE-related conditions. ClinVar contains an entry for this variant (Variation ID: 955741). An algorithm developed to predict the effect of missense changes on protein structure and function outputs the following: PolyPhen-2: "Benign". The serine amino acid residue is found in multiple mammalian species, which suggests that this missense change does not adversely affect protein function. In summary, the available evidence is currently insufficient to determine the role of this variant in disease. Therefore, it has been classified as a Variant of Uncertain Significance.

Ambry Genetics
Classification: Likely benign for Hereditary cancer-predisposing syndrome. Last evaluated: 2024-12-30. Review status: criteria provided, single submitter. Criteria: Ambry Variant Classification Scheme 2023. Collection method: clinical testing. Allele origin: germline.

PreventionGenetics, part of Exact Sciences
Classification: Uncertain significance for POLE-related condition. Last evaluated: 2024-05-01. Review status: no assertion criteria provided. Collection method: clinical testing. Allele origin: germline. Not counted in ClinVar's aggregate classification.
Comment: The POLE c.6853G>A variant is predicted to result in the amino acid substitution p.Gly2285Ser. To our knowledge, this variant has not been reported in the literature. This variant is reported in 0.0054% of alleles in individuals of East Asian descent in gnomAD. At this time, the clinical significance of this variant is uncertain due to the absence of conclusive functional and genetic evidence.

NM_006231.4(POLE):c.6853G>A (p.Gly2285Ser)

Gene: POLE (DNA polymerase epsilon, catalytic subunit; minus strand). Cytogenetic location: 12q24.33.
Variant type: single nucleotide variant.
Coding change: c.6853G>A on transcript NM_006231.4 (MANE Select); coding-DNA position 6853, G replaced by A.
Protein change: p.Gly2285Ser; replaces glycine 2285 with serine.
Molecular consequence: missense variant.
Genome position (GRCh38, 1-based): chr12:132,624,705, C>T on the plus strand (G>A on the coding strand, the complement: POLE is on the minus strand). VCF-style: chr12-132624705-C-T. GRCh37 (hg19) VCF-style: chr12-133201291-C-T.
Other names: c.6853G>A (NM_006231.2); short protein forms G2285S.
Identifiers: ClinVar variation 955741 (VCV000955741.11), dbSNP rs1245794040, ClinGen allele CA387365564.
Genomic context (GRCh38, chr12:132,624,705, plus strand): 5'-TGGCATCAGGAGGCCTGGCACGGACGCAGAGGCACCCGGGGCCCGGGGCTGGCTAATGGC[C>T]CAGCTGTGGGTTCTTCTGCAGCAGCCACTCCAGGGTCTCCAGGAGGTACGACATGCCGTA-3'
Protein context (NP_006222.2, residues 2275-2286): EWLLQKNPQL[Gly2285Ser]H